The following is an entry in ClinVar:

ClinVar aggregate classification (germline): Conflicting classifications of pathogenicity. Review status: criteria provided, conflicting classifications (1 of 4 stars). 3 submissions from 3 submitters: Uncertain significance (2); Likely benign (1). Last evaluated 2025-01-06.

Conditions:
Familial sleep-related hypermotor epilepsy. Also called: Autosomal Dominant Sleep-Related Hypermotor (Hyperkinetic) Epilepsy. Identifiers: Orphanet 98784, MedGen C3696898, MONDO:0000030.

Allele frequency attached by ClinVar (database versions not stated): gnomAD exomes 0.00004 and 0.00002; ExAC 0.00004.
gnomAD v4.1: 13 of 1,610,862 alleles (0.00081%); highest among the groups gnomAD compares: Admixed American, 0.02%; no homozygotes.

Submissions (3):

Labcorp Genetics (formerly Invitae), Labcorp
Classification: Uncertain significance. Last evaluated: 2025-01-06. Review status: criteria provided, single submitter. Criteria: Invitae Variant Classification Sherloc (09022015). Collection method: clinical testing. Allele origin: germline.
Comment: This sequence change replaces valine, which is neutral and non-polar, with glycine, which is neutral and non-polar, at codon 546 of the CHRNA4 protein (p.Val546Gly). This variant is present in population databases (rs764888239, gnomAD 0.03%). This variant has not been reported in the literature in individuals affected with CHRNA4-related conditions. ClinVar contains an entry for this variant (Variation ID: 205003). Invitae Evidence Modeling of protein sequence and biophysical properties (such as structural, functional, and spatial information, amino acid conservation, physicochemical variation, residue mobility, and thermodynamic stability) indicates that this missense variant is not expected to disrupt CHRNA4 protein function with a negative predictive value of 80%. In summary, the available evidence is currently insufficient to determine the role of this variant in disease. Therefore, it has been classified as a Variant of Uncertain Significance.

Athena Diagnostics
Classification: Uncertain significance. Last evaluated: 2017-10-18. Review status: criteria provided, single submitter. Criteria: Athena Diagnostics Criteria. Collection method: clinical testing. Allele origin: germline.

GeneDx
Classification: Likely benign. Last evaluated: 2013-04-15. Review status: criteria provided, single submitter. Criteria: GeneDx Variant Classification (06012015). Collection method: clinical testing. Allele origin: germline. Affected: yes.
Comment: This variant is considered likely benign or benign based on one or more of the following criteria: it is a conservative change, it occurs at a poorly conserved position in the protein, it is predicted to be benign by multiple in silico algorithms, and/or has population frequency not consistent with disease.

NM_000744.7(CHRNA4):c.1637T>G (p.Val546Gly)

Gene: CHRNA4 (cholinergic receptor nicotinic alpha 4 subunit; minus strand). Cytogenetic location: 20q13.33.
Variant type: single nucleotide variant.
Coding change: c.1637T>G on transcript NM_000744.7 (MANE Select); coding-DNA position 1637, T replaced by G.
Protein change: p.Val546Gly; replaces valine 546 with glycine.
Molecular consequence: missense variant. On other transcripts: non-coding transcript variant (1).
Genome position (GRCh38, 1-based): chr20:63,349,774, A>C on the plus strand (T>G on the coding strand, the complement: CHRNA4 is on the minus strand). VCF-style: chr20-63349774-A-C. GRCh37 (hg19) VCF-style: chr20-61981126-A-C.
Other names: p.V546G:GTC>GGC; c.1109T>G, p.Val370Gly (NM_001256573.2); short protein forms V546G, V370G.
Identifiers: ClinVar variation 205003 (VCV000205003.11), dbSNP rs764888239, ClinGen allele CA313526.
Genomic context (GRCh38, chr20:63,349,774, plus strand): 5'-CGGGTCAGGGCCGGCGACAGGGGCAGGTGCGGGGGCGGCGCTTTGGTGCTGCGGGTCTTG[A>C]CCGTGGCGCTCGGGGACACCGAAGAGGGCTCCTTCTTGCATGTGCATTTGCACGGAGAGG-3'
Protein context (NP_000735.1, residues 536-556): EPSSVSPSAT[Val546Gly]KTRSTKAPPP